The following is an entry in ClinVar:

ClinVar aggregate classification (germline): Uncertain significance (1 of 4 stars; one submission).

Conditions:
Neuropathy, hereditary sensory and autonomic, type 1C. Also called: HSAN IC; HSN IC. Identifiers: Orphanet 36386, MedGen C3150896, MONDO:0013337, OMIM 613640.

Allele frequency attached by ClinVar (database versions not stated): TOPMed below 0.00001; 1000 Genomes Project 30x 0.00016.

Submission:

Labcorp Genetics (formerly Invitae), Labcorp
Classification: Uncertain significance for Neuropathy, hereditary sensory and autonomic, type 1C. Last evaluated: 2021-04-14. Review status: criteria provided, single submitter. Criteria: Invitae Variant Classification Sherloc (09022015). Collection method: clinical testing. Allele origin: germline.
Comment: In summary, the available evidence is currently insufficient to determine the role of this variant in disease. Therefore, it has been classified as a Variant of Uncertain Significance. Algorithms developed to predict the effect of sequence changes on RNA splicing suggest that this variant may create or strengthen a splice site, but this prediction has not been confirmed by published transcriptional studies. Algorithms developed to predict the effect of missense changes on protein structure and function are either unavailable or do not agree on the potential impact of this missense change (SIFT: "Deleterious"; PolyPhen-2: "Probably Damaging"; Align-GVGD: "Class C0"). This variant has not been reported in the literature in individuals with SPTLC2-related conditions. This variant is not present in population databases (ExAC no frequency). This sequence change replaces tyrosine with cysteine at codon 318 of the SPTLC2 protein (p.Tyr318Cys). The tyrosine residue is moderately conserved and there is a large physicochemical difference between tyrosine and cysteine.

NM_004863.4(SPTLC2):c.953A>G (p.Tyr318Cys)

Gene: SPTLC2 (serine palmitoyltransferase long chain base subunit 2; minus strand). Cytogenetic location: 14q24.3.
Variant type: single nucleotide variant.
Coding change: c.953A>G on transcript NM_004863.4 (MANE Select); coding-DNA position 953, A replaced by G.
Protein change: p.Tyr318Cys; replaces tyrosine 318 with cysteine.
Molecular consequence: missense variant.
Genome position (GRCh38, 1-based): chr14:77,557,044, T>C on the plus strand (A>G on the coding strand, the complement: SPTLC2 is on the minus strand). VCF-style: chr14-77557044-T-C. GRCh37 (hg19) VCF-style: chr14-78023387-T-C.
Other names: short protein forms Y318C.
Identifiers: ClinVar variation 1513925 (VCV001513925.8), dbSNP rs2079588030, ClinGen allele CA390709651.